The following is an entry in ClinVar:

NM_001278669.2(NFATC1):c.2473C>T (p.Gln825Ter)

Gene: NFATC1 (nuclear factor of activated T cells 1; plus strand). Cytogenetic location: 18q23.
Variant type: single nucleotide variant.
Coding change: c.2473C>T on transcript NM_001278669.2 (MANE Select); coding-DNA position 2473, C replaced by T.
Protein change: p.Gln825Ter; replaces glutamine 825 with a stop codon.
Molecular consequence: nonsense. On other transcripts: intron variant (2).
Genome position (GRCh38, 1-based): chr18:79,486,628, C>T. VCF-style: chr18-79486628-C-T. GRCh37 (hg19) VCF-style: chr18-77246628-C-T.
Other names: c.1057C>T, p.Gln353Ter (NM_001278673.2, NM_172388.3); c.2473C>T, p.Gln825Ter (NM_006162.5); c.2434C>T, p.Gln812Ter (NM_172387.3, NM_172389.3); c.2092+19046C>T (NM_001278670.2); c.2053+19046C>T (NM_001278672.2); short protein forms Q812*, Q353*, Q825*.
Identifiers: ClinVar variation 1952310 (VCV001952310.5), dbSNP rs2512232966, ClinGen allele CA402826499.

ClinVar aggregate classification (germline): Uncertain significance (1 of 4 stars; one submission).

Allele frequency attached by ClinVar (database versions not stated): gnomAD exomes 0.00001.
gnomAD v4.1: 14 of 1,601,082 alleles (0.00087%); highest among the groups gnomAD compares: Non-Finnish European, 0.0011%; no homozygotes.

Submission:

Labcorp Genetics (formerly Invitae), Labcorp
Classification: Uncertain significance. Last evaluated: 2022-09-25. Review status: criteria provided, single submitter. Criteria: Invitae Variant Classification Sherloc (09022015). Collection method: clinical testing. Allele origin: germline.
Comment: This sequence change creates a premature translational stop signal (p.Gln825*) in the NFATC1 gene. While this is not anticipated to result in nonsense mediated decay, it is expected to disrupt the last 1 amino acid(s) of the NFATC1 protein. This variant is not present in population databases (gnomAD no frequency). This variant has not been reported in the literature in individuals affected with NFATC1-related conditions. Experimental studies and prediction algorithms are not available or were not evaluated, and the functional significance of this variant is currently unknown. In summary, the available evidence is currently insufficient to determine the role of this variant in disease. Therefore, it has been classified as a Variant of Uncertain Significance.